The following is an entry in ClinVar:

NM_006218.4(PIK3CA):c.463G>C (p.Asp155His)

Gene: PIK3CA (phosphatidylinositol-4,5-bisphosphate 3-kinase catalytic subunit alpha; plus strand). Cytogenetic location: 3q26.32.
Variant type: single nucleotide variant.
Coding change: c.463G>C on transcript NM_006218.4 (MANE Select); coding-DNA position 463, G replaced by C.
Protein change: p.Asp155His; replaces aspartic acid 155 with histidine.
Molecular consequence: missense variant.
Genome position (GRCh38, 1-based): chr3:179,199,800, G>C. VCF-style: chr3-179199800-G-C. GRCh37 (hg19) VCF-style: chr3-178917588-G-C.
Other names: short protein forms D155H.
Identifiers: ClinVar variation 1484875 (VCV001484875.8), dbSNP rs1724363908, ClinGen allele CA355274004.
Genomic context (GRCh38, chr3:179,199,800, plus strand): 5'-GAAGTACAGGACTTCCGAAGAAATATTCTGAACGTTTGTAAAGAAGCTGTGGATCTTAGG[G>C]ACCTCAATTCACCTCATAGTAGAGCAATGTATGTCTATCCTCCAAATGTAGAATCTTCAC-3'
Protein context (NP_006209.2, residues 145-165): NVCKEAVDLR[Asp155His]LNSPHSRAMY

ClinVar aggregate classification (germline): Uncertain significance (1 of 4 stars; one submission).

Conditions:
Cowden syndrome (CS). Also called: Cowden's disease; Cowden's syndrome; Cowden disease. Identifiers: Orphanet 201, MedGen C0018553, MONDO:0016063. Disease mechanism: gain of function.

Allele frequency attached by ClinVar (database versions not stated): TOPMed below 0.00001.

Submission:

Labcorp Genetics (formerly Invitae), Labcorp
Classification: Uncertain significance for Cowden syndrome. Last evaluated: 2021-02-12. Review status: criteria provided, single submitter. Criteria: Invitae Variant Classification Sherloc (09022015). Collection method: clinical testing. Allele origin: germline.
Comment: In summary, the available evidence is currently insufficient to determine the role of this variant in disease. Therefore, it has been classified as a Variant of Uncertain Significance. Algorithms developed to predict the effect of missense changes on protein structure and function are either unavailable or do not agree on the potential impact of this missense change (SIFT: "Deleterious"; PolyPhen-2: "Benign"; Align-GVGD: "Class C25"). This variant has not been reported in the literature in individuals with PIK3CA-related conditions. This variant is not present in population databases (ExAC no frequency). This sequence change replaces aspartic acid with histidine at codon 155 of the PIK3CA protein (p.Asp155His). The aspartic acid residue is highly conserved and there is a moderate physicochemical difference between aspartic acid and histidine.